The following is an entry in ClinVar:

NM_007294.4(BRCA1):c.5192A>C (p.Glu1731Ala)

Gene: BRCA1 (BRCA1 DNA repair associated; minus strand). Cytogenetic location: 17q21.31.
Variant type: single nucleotide variant.
Coding change: c.5192A>C on transcript NM_007294.4 (MANE Select); coding-DNA position 5192, A replaced by C.
Protein change: p.Glu1731Ala; replaces glutamic acid 1731 with alanine.
Molecular consequence: missense variant. On other transcripts: non-coding transcript variant (1).
Genome position (GRCh38, 1-based): chr17:43,063,334, T>G on the plus strand (A>C on the coding strand, the complement: BRCA1 is on the minus strand). VCF-style: chr17-43063334-T-G. GRCh37 (hg19) VCF-style: chr17-41215351-T-G.
Other names: c.4979A>C, p.Glu1660Ala (NM_001407571.1, NM_001407900.1, NM_001407902.1 and 12 more transcripts); c.5258A>C, p.Glu1753Ala (NM_001407581.1, NM_001407582.1); c.5255A>C, p.Glu1752Ala (NM_001407583.1, NM_001407585.1, NM_001407587.1 and 1 more transcripts); c.5189A>C, p.Glu1730Ala (NM_001407610.1, NM_001407611.1, NM_001407612.1 and 17 more transcripts); c.5186A>C, p.Glu1729Ala (NM_001407629.1, NM_001407630.1, NM_001407631.1 and 14 more transcripts); c.5132A>C, p.Glu1711Ala (NM_001407649.1); c.5114A>C, p.Glu1705Ala (NM_001407652.1, NM_001407653.1, NM_001407654.1 and 1 more transcripts); c.5111A>C, p.Glu1704Ala (NM_001407656.1, NM_001407657.1, NM_001407658.1); and 72 more; short protein forms E1731A, E1752A, E1684A, E627A, E1434A, E1641A, E1659A, E1683A.
Identifiers: ClinVar variation 867459 (VCV000867459.3), dbSNP rs2051854642, ClinGen allele CA10591158.

Conditions:
Breast-ovarian cancer, familial, susceptibility to, 1 (BROVCA1). Also called: BRCA1 Hereditary Breast and Ovarian Cancer; OVARIAN CANCER, SUSCEPTIBILITY TO. Identifiers: Orphanet 145, MedGen C2676676, MONDO:0011450, OMIM 604370. Disease mechanism: loss of function.

Submission:

Brotman Baty Institute, University of Washington
No classification provided (evidence only). Condition: Breast-ovarian cancer, familial 1. Review status: no classification provided. Collection method: in vitro. Allele origin: not applicable. Functional consequence: functionally_normal.
ClinVar note: "not provided" was previously submitted as the classification for the variant. However, the classification appeared to be based only on an observation of functional data so it was converted to no classification on 2025-07-30.